The following is an entry in ClinVar:

NM_001127208.3(TET2):c.2164A>G (p.Lys722Glu)

Genes: TET2 (tet methylcytosine dioxygenase 2; plus strand), TET2-AS1 (TET2 antisense RNA 1; minus strand). Cytogenetic location: 4q24.
Variant type: single nucleotide variant.
Coding change: c.2164A>G on transcript NM_001127208.3 (MANE Select); coding-DNA position 2164, A replaced by G.
Protein change: p.Lys722Glu; replaces lysine 722 with glutamic acid.
Molecular consequence: missense variant.
Genome position (GRCh38, 1-based): chr4:105,236,106, A>G. VCF-style: chr4-105236106-A-G. GRCh37 (hg19) VCF-style: chr4-106157263-A-G.
Other names: c.2164A>G, p.Lys722Glu (NM_017628.4); short protein forms K722E.
Identifiers: ClinVar variation 4182912 (VCV004182912.1).

ClinVar aggregate classification (germline): Uncertain significance (1 of 4 stars; one submission).

Submission:

Ambry Genetics
Classification: Uncertain significance. Last evaluated: 2025-06-16. Review status: criteria provided, single submitter. Criteria: Ambry Variant Classification Scheme 2023. Collection method: clinical testing. Allele origin: germline.
Comment: The p.K722E variant (also known as c.2164A>G), located in coding exon 1 of the TET2 gene, results from an A to G substitution at nucleotide position 2164. The lysine at codon 722 is replaced by glutamic acid, an amino acid with similar properties. This amino acid position is conserved. In addition, this alteration is predicted to be tolerated by in silico analysis. Based on the available evidence, the clinical significance of this variant remains unclear.